The following is an entry in ClinVar:

ClinVar aggregate classification (germline): Pathogenic (1 of 4 stars; one submission).

Conditions:
Epidermodysplasia verruciformis. Identifiers: Orphanet 302, MedGen C0014522, MONDO:0009176.

Submission:

Labcorp Genetics (formerly Invitae), Labcorp
Classification: Pathogenic for Epidermodysplasia verruciformis. Last evaluated: 2025-10-18. Review status: criteria provided, single submitter. Criteria: Invitae Variant Classification Sherloc (09022015). Collection method: clinical testing. Allele origin: germline.
Comment: This sequence change creates a premature translational stop signal (p.Gln54*) in the TMC6 gene. It is expected to result in an absent or disrupted protein product. Loss-of-function variants in TMC6 are known to be pathogenic (PMID: 15042430, 17139267). This variant is not present in population databases (gnomAD no frequency). This variant has not been reported in the literature in individuals affected with TMC6-related conditions. For these reasons, this variant has been classified as Pathogenic.

Literature cited by the submitters: PubMed 15042430; PubMed 17139267.

NM_001127198.5(TMC6):c.160C>T (p.Gln54Ter)

Gene: TMC6 (transmembrane channel like 6; minus strand). Cytogenetic location: 17q25.3.
Variant type: single nucleotide variant.
Coding change: c.160C>T on transcript NM_001127198.5 (MANE Select); coding-DNA position 160, C replaced by T.
Protein change: p.Gln54Ter; replaces glutamine 54 with a stop codon.
Molecular consequence: nonsense. On other transcripts: non-coding transcript variant (4).
Genome position (GRCh38, 1-based): chr17:78,126,545, G>A on the plus strand (C>T on the coding strand, the complement: TMC6 is on the minus strand). VCF-style: chr17-78126545-G-A. GRCh37 (hg19) VCF-style: chr17-76122626-G-A.
Other names: c.160C>T, p.Gln54Ter (NM_001321185.1, NM_001374593.1, NM_001374594.1 and 4 more transcripts); short protein forms Q54*.
Identifiers: ClinVar variation 4729464 (VCV004729464.1).